The following is an entry in ClinVar:

NM_000038.6(APC):c.1496_1511del (p.Arg499fs)

Gene: APC (APC regulator of Wnt signaling pathway; plus strand). Cytogenetic location: 5q22.2.
Variant type: Deletion.
Coding change: c.1496_1511del on transcript NM_000038.6 (MANE Select); coding-DNA positions 1496 to 1511, 16 bases deleted (GATATGCTGGAATGGC).
Protein change: p.Arg499fs; shifts the reading frame from arginine 499.
Molecular consequence: frameshift variant.
Genome position (GRCh38, 1-based): chr5:112,827,195-112,827,210, GATATGCTGGAATGGC deleted; deleting any 16 consecutive bases within chr5:112,827,194-112,827,210 gives the same sequence; the c. name uses the placement nearest the transcript's 3' end. VCF-style (leftmost placement, unchanged base first): chr5-112827193-ACGATATGCTGGAATGG-A. GRCh37 (hg19) VCF-style: chr5-112162890-ACGATATGCTGGAATGG-A.
Other names: c.1496_1511del, p.Arg499fs (NM_001127510.3, NM_001354895.2); c.1442_1457del, p.Arg481fs (NM_001127511.3); c.1550_1565del, p.Arg517fs (NM_001354896.2); c.1526_1541del, p.Arg509fs (NM_001354897.2); c.1421_1436del, p.Arg474fs (NM_001354898.2); c.1412_1427del, p.Arg471fs (NM_001354899.2); c.1373_1388del, p.Arg458fs (NM_001354900.2); c.1319_1334del, p.Arg440fs (NM_001354901.2); and 5 more; short protein forms R398fs, R509fs, R339fs, R471fs, R474fs, R499fs, R373fs, R481fs.
Identifiers: ClinVar variation 841225 (VCV000841225.9), dbSNP rs1763785513, ClinGen allele CA916080343.

ClinVar aggregate classification (germline): Pathogenic (1 of 4 stars; one submission).

Conditions:
Familial adenomatous polyposis 1 (FAP1). Also called: FAMILIAL ADENOMATOUS POLYPOSIS 1, ATTENUATED; POLYPOSIS, ADENOMATOUS INTESTINAL. Identifiers: MedGen C2713442, MONDO:0021056, OMIM 175100. Disease mechanism: loss of function.

Submission:

Labcorp Genetics (formerly Invitae), Labcorp
Classification: Pathogenic for Familial adenomatous polyposis 1. Last evaluated: 2022-07-18. Review status: criteria provided, single submitter. Criteria: Invitae Variant Classification Sherloc (09022015). Collection method: clinical testing. Allele origin: germline.
Comment: This sequence change creates a premature translational stop signal (p.Arg499Leufs*2) in the APC gene. It is expected to result in an absent or disrupted protein product. Loss-of-function variants in APC are known to be pathogenic (PMID: 17963004, 20685668). This variant is not present in population databases (gnomAD no frequency). This variant has not been reported in the literature in individuals affected with APC-related conditions. ClinVar contains an entry for this variant (Variation ID: 841225). For these reasons, this variant has been classified as Pathogenic.

Literature cited by the submitters: PubMed 17963004; PubMed 20685668.